The following is an entry in ClinVar:

NM_003737.4(DCHS1):c.4163T>G (p.Leu1388Trp)

Gene: DCHS1 (dachsous cadherin-related 1; minus strand). Cytogenetic location: 11p15.4.
Variant type: single nucleotide variant.
Coding change: c.4163T>G on transcript NM_003737.4 (MANE Select); coding-DNA position 4163, T replaced by G.
Protein change: p.Leu1388Trp; replaces leucine 1388 with tryptophan.
Molecular consequence: missense variant.
Genome position (GRCh38, 1-based): chr11:6,630,631, A>C on the plus strand (T>G on the coding strand, the complement: DCHS1 is on the minus strand). VCF-style: chr11-6630631-A-C. GRCh37 (hg19) VCF-style: chr11-6651862-A-C.
Other names: short protein forms L1388W.
Identifiers: ClinVar variation 2089944 (VCV002089944.4), dbSNP rs2493825369, ClinGen allele CA379407133.
Genomic context (GRCh38, chr11:6,630,631, plus strand): 5'-CGTACCGTAAGCGCGCGCCACGGCGGGCCAGCTTCGAAGTCCAGGGGCCGCGCCAGGTAC[A>C]AGCGCCCTGAGGCCGCATCCAGCGCGAAGGTGCCCTCGGGATCGGCACCGCCCACCAGTG-3'
Protein context (NP_003728.1, residues 1378-1398): TFALDAASGR[Leu1388Trp]YLARPLDFEA

ClinVar aggregate classification (germline): Uncertain significance (1 of 4 stars; one submission).

Allele frequency attached by ClinVar (database versions not stated): gnomAD exomes below 0.00001.
gnomAD v4.1: 2 of 1,539,558 alleles (0.00013%); highest among the groups gnomAD compares: Non-Finnish European, 0.00017%; no homozygotes.

Submission:

Labcorp Genetics (formerly Invitae), Labcorp
Classification: Uncertain significance. Last evaluated: 2022-04-05. Review status: criteria provided, single submitter. Criteria: Invitae Variant Classification Sherloc (09022015). Collection method: clinical testing. Allele origin: germline.
Comment: In summary, the available evidence is currently insufficient to determine the role of this variant in disease. Therefore, it has been classified as a Variant of Uncertain Significance. Algorithms developed to predict the effect of missense changes on protein structure and function are either unavailable or do not agree on the potential impact of this missense change (SIFT: "Deleterious"; PolyPhen-2: "Probably Damaging"; Align-GVGD: "Class C0"). This variant has not been reported in the literature in individuals affected with DCHS1-related conditions. This variant is not present in population databases (gnomAD no frequency). This sequence change replaces leucine, which is neutral and non-polar, with tryptophan, which is neutral and slightly polar, at codon 1388 of the DCHS1 protein (p.Leu1388Trp).